The following is an entry in ClinVar:

ClinVar aggregate classification (germline): Uncertain significance (1 of 4 stars; one submission).

Conditions:
Developmental and epileptic encephalopathy, 54. Also called: Epileptic encephalopathy, early infantile, 54; HNRNPU-Related Neurodevelopmental Disorder. Identifiers: MedGen C4479319, MONDO:0033363, OMIM 617391.

gnomAD v4.1: 3 of 1,608,766 alleles (0.00019%); highest among the groups gnomAD compares: Non-Finnish European, 0.00017%; no homozygotes.

Submission:

Labcorp Genetics (formerly Invitae), Labcorp
Classification: Uncertain significance for Developmental and epileptic encephalopathy, 54. Last evaluated: 2025-10-11. Review status: criteria provided, single submitter. Criteria: Invitae Variant Classification Sherloc (09022015). Collection method: clinical testing. Allele origin: germline.
Comment: This sequence change replaces leucine, which is neutral and non-polar, with methionine, which is neutral and non-polar, at codon 42 of the HNRNPU protein (p.Leu42Met). This variant is not present in population databases (gnomAD no frequency). This variant has not been reported in the literature in individuals affected with HNRNPU-related conditions. ClinVar contains an entry for this variant (Variation ID: 1497414). Invitae Evidence Modeling of protein sequence and biophysical properties (such as structural, functional, and spatial information, amino acid conservation, physicochemical variation, residue mobility, and thermodynamic stability) has been performed for this missense variant. However, the output from this modeling did not meet the statistical confidence thresholds required to predict the impact of this variant on HNRNPU protein function. In summary, the available evidence is currently insufficient to determine the role of this variant in disease. Therefore, it has been classified as a Variant of Uncertain Significance.

NM_031844.3(HNRNPU):c.124C>A (p.Leu42Met)

Gene: HNRNPU (heterogeneous nuclear ribonucleoprotein U; minus strand). Cytogenetic location: 1q44.
Variant type: single nucleotide variant.
Coding change: c.124C>A on transcript NM_031844.3 (MANE Select); coding-DNA position 124, C replaced by A.
Protein change: p.Leu42Met; replaces leucine 42 with methionine.
Molecular consequence: missense variant.
Genome position (GRCh38, 1-based): chr1:244,864,184, G>T on the plus strand (C>A on the coding strand, the complement: HNRNPU is on the minus strand). VCF-style: chr1-244864184-G-T. GRCh37 (hg19) VCF-style: chr1-245027486-G-T.
Other names: c.124C>A, p.Leu42Met (NM_004501.3); short protein forms L42M.
Identifiers: ClinVar variation 1497414 (VCV001497414.8), dbSNP rs1364614921, ClinGen allele CA345498052.